The following is an entry in ClinVar:

ClinVar aggregate classification (germline): Benign/Likely benign. Review status: criteria provided, multiple submitters, no conflicts (2 of 4 stars). 7 submissions from 7 submitters: Benign (1); Likely benign (5). 1 of the submissions does not count toward it. Last evaluated 2026-05-01.

Conditions:
PARS2-related disorder.

Allele frequency attached by ClinVar (database versions not stated): gnomAD exomes 0.00026 and 0.00069; ExAC 0.00095; 1000 Genomes Project 0.00120; 1000 Genomes Project 30x 0.00125; gnomAD 0.00261 and 0.00280; TOPMed 0.00312; ESP Exome Variant Server 0.00377.

Submissions (7):

CeGaT Center for Human Genetics Tuebingen
Classification: Likely benign. Last evaluated: 2026-05-01. Review status: criteria provided, single submitter. Criteria: CeGaT Center For Human Genetics Tuebingen Variant Classification Criteria Version 2. Collection method: clinical testing. Allele origin: germline. Affected: yes. Observed: 1 variant allele.
Comment: PARS2: BP4, BP7

Labcorp Genetics (formerly Invitae), Labcorp
Classification: Benign. Last evaluated: 2025-12-29. Review status: criteria provided, single submitter. Criteria: Invitae Variant Classification Sherloc (09022015). Collection method: clinical testing. Allele origin: germline.

Mayo Clinic Laboratories, Mayo Clinic
Classification: Likely benign. Last evaluated: 2025-04-09. Review status: criteria provided, single submitter. Criteria: ACMG Guidelines, 2015. Collection method: clinical testing. Allele origin: germline. Observed: 2 variant alleles.
Comment: BS1, BP4, BP7

Blueprint Genetics
Classification: Likely benign. Last evaluated: 2024-02-20. Review status: criteria provided, single submitter. Criteria: ACMG Guidelines, 2015. Collection method: clinical testing. Allele origin: germline.

GeneDx
Classification: Likely benign. Last evaluated: 2017-03-01. Review status: criteria provided, single submitter. Criteria: GeneDx Variant Classification (06012015). Collection method: clinical testing. Allele origin: germline. Affected: yes.
Comment: This variant is considered likely benign or benign based on one or more of the following criteria: it is a conservative change, it occurs at a poorly conserved position in the protein, it is predicted to be benign by multiple in silico algorithms, and/or has population frequency not consistent with disease.

Breakthrough Genomics
Classification: Likely benign. Review status: criteria provided, single submitter. Criteria: ACMG Guidelines, 2015. Collection method: not provided. Allele origin: germline. Inheritance: Autosomal recessive inheritance. Affected: yes.

PreventionGenetics, part of Exact Sciences
Classification: Likely benign for PARS2-related condition. Last evaluated: 2019-04-22. Review status: no assertion criteria provided. Collection method: clinical testing. Allele origin: germline. Not counted in ClinVar's aggregate classification.
Comment: This variant is classified as likely benign based on ACMG/AMP sequence variant interpretation guidelines (Richards et al. 2015 PMID: 25741868, with internal and published modifications).

NM_152268.4(PARS2):c.489G>A (p.Thr163=)

Gene: PARS2 (prolyl-tRNA synthetase 2, mitochondrial; minus strand). Cytogenetic location: 1p32.3.
Variant type: single nucleotide variant.
Coding change: c.489G>A on transcript NM_152268.4 (MANE Select); coding-DNA position 489, G replaced by A.
Protein change: p.Thr163=; no amino-acid change (threonine 163 retained).
Molecular consequence: synonymous variant.
Genome position (GRCh38, 1-based): chr1:54,758,673, C>T on the plus strand (G>A on the coding strand, the complement: PARS2 is on the minus strand). VCF-style: chr1-54758673-C-T. GRCh37 (hg19) VCF-style: chr1-55224346-C-T.
Other names: p.Thr163=.
Identifiers: ClinVar variation 381439 (VCV000381439.17), dbSNP rs145967472, ClinGen allele CA869474.